The following is an entry in ClinVar:

NM_000545.8(HNF1A):c.262G>T (p.Glu88Ter)

Gene: HNF1A (HNF1 homeobox A; plus strand). Cytogenetic location: 12q24.31.
Variant type: single nucleotide variant.
Coding change: c.262G>T on transcript NM_000545.8 (MANE Select); coding-DNA position 262, G replaced by T.
Protein change: p.Glu88Ter; replaces glutamic acid 88 with a stop codon.
Molecular consequence: nonsense.
Genome position (GRCh38, 1-based): chr12:120,979,030, G>T. VCF-style: chr12-120979030-G-T. GRCh37 (hg19) VCF-style: chr12-121416833-G-T.
Other names: c.262G>T, p.Glu88Ter (NM_001306179.2, NM_001406915.1); c.262G>T (NM_000545.6); short protein forms E88*.
Identifiers: ClinVar variation 2035581 (VCV002035581.5), dbSNP rs766704468, ClinGen allele CA386954216.

ClinVar aggregate classification (germline): Pathogenic/Likely pathogenic. Review status: criteria provided, multiple submitters, no conflicts (2 of 4 stars). 2 submissions from 2 submitters: Pathogenic (1); Likely pathogenic (1). Last evaluated 2025-02-13.

Conditions:
HNF1A-related disorder. Also called: HNF1A-related condition.

Submissions (2):

PreventionGenetics, part of Exact Sciences
Classification: Likely pathogenic for HNF1A-related condition. Last evaluated: 2025-02-13. Review status: criteria provided, single submitter. Criteria: ACMG Guidelines, 2015. Collection method: clinical testing. Allele origin: germline.
Comment: The HNF1A c.262G>T variant is predicted to result in premature protein termination (p.Glu88*). To our knowledge, this variant has not been reported in the literature. This variant is reported in 0.0065% of alleles in individuals of European (Non-Finnish) descent in gnomAD. Nonsense variants in HNF1A are expected to be pathogenic. This variant is interpreted as likely pathogenic.

Labcorp Genetics (formerly Invitae), Labcorp
Classification: Pathogenic. Last evaluated: 2022-10-14. Review status: criteria provided, single submitter. Criteria: Invitae Variant Classification Sherloc (09022015). Collection method: clinical testing. Allele origin: germline.
Comment: For these reasons, this variant has been classified as Pathogenic. This variant has not been reported in the literature in individuals affected with HNF1A-related conditions. This variant is present in population databases (no rsID available, gnomAD 0.007%). This sequence change creates a premature translational stop signal (p.Glu88*) in the HNF1A gene. It is expected to result in an absent or disrupted protein product. Loss-of-function variants in HNF1A are known to be pathogenic (PMID: 15928245, 18003757).

Literature cited by the submitters: PubMed 15928245 (cited by Labcorp Genetics (formerly Invitae), Labcorp); PubMed 18003757 (cited by Labcorp Genetics (formerly Invitae), Labcorp).